The following is an entry in ClinVar:

NM_002857.4(PEX19):c.481G>C (p.Gly161Arg)

Gene: PEX19 (peroxisomal biogenesis factor 19; minus strand). Cytogenetic location: 1q23.2.
Variant type: single nucleotide variant.
Coding change: c.481G>C on transcript NM_002857.4 (MANE Select); coding-DNA position 481, G replaced by C.
Protein change: p.Gly161Arg; replaces glycine 161 with arginine.
Molecular consequence: missense variant. On other transcripts: non-coding transcript variant (2).
Genome position (GRCh38, 1-based): chr1:160,282,152, C>G on the plus strand (G>C on the coding strand, the complement: PEX19 is on the minus strand). VCF-style: chr1-160282152-C-G. GRCh37 (hg19) VCF-style: chr1-160251942-C-G.
Other names: c.481G>C, p.Gly161Arg (NM_001193644.1); short protein forms G161R.
Identifiers: ClinVar variation 1350867 (VCV001350867.8), dbSNP rs2101802695, ClinGen allele CA343260424.

ClinVar aggregate classification (germline): Uncertain significance (1 of 4 stars; one submission).

Conditions:
Peroxisome biogenesis disorder 12A (Zellweger). Also called: Peroxisome biogenesis disorder 12A. Identifiers: Orphanet 912, MedGen C3554002, MONDO:0013951, OMIM 614886.

Submission:

Labcorp Genetics (formerly Invitae), Labcorp
Classification: Uncertain significance for Peroxisome biogenesis disorder 12A (Zellweger). Last evaluated: 2022-09-01. Review status: criteria provided, single submitter. Criteria: Invitae Variant Classification Sherloc (09022015). Collection method: clinical testing. Allele origin: germline.
Comment: In summary, the available evidence is currently insufficient to determine the role of this variant in disease. Therefore, it has been classified as a Variant of Uncertain Significance. This sequence change replaces glycine, which is neutral and non-polar, with arginine, which is basic and polar, at codon 161 of the PEX19 protein (p.Gly161Arg). This variant is not present in population databases (gnomAD no frequency). This variant has not been reported in the literature in individuals affected with PEX19-related conditions. ClinVar contains an entry for this variant (Variation ID: 1350867). Algorithms developed to predict the effect of missense changes on protein structure and function are either unavailable or do not agree on the potential impact of this missense change (SIFT: "Tolerated"; PolyPhen-2: "Possibly Damaging"; Align-GVGD: "Class C0").